The following is an entry in ClinVar:

NM_001024630.4(RUNX2):c.1442C>T (p.Thr481Met)

Gene: RUNX2 (RUNX family transcription factor 2; plus strand). Cytogenetic location: 6p21.1.
Variant type: single nucleotide variant.
Coding change: c.1442C>T on transcript NM_001024630.4 (MANE Select); coding-DNA position 1442, C replaced by T.
Protein change: p.Thr481Met; replaces threonine 481 with methionine.
Molecular consequence: missense variant.
Genome position (GRCh38, 1-based): chr6:45,547,181, C>T. VCF-style: chr6-45547181-C-T. GRCh37 (hg19) VCF-style: chr6-45514918-C-T.
Other names: c.1376C>T, p.Thr459Met (NM_001015051.4); c.1334C>T, p.Thr445Met (NM_001278478.2); c.1400C>T, p.Thr467Met (NM_001369405.1, NM_004348.3); short protein forms T445M, T459M, T481M, T467M.
Identifiers: ClinVar variation 2966454 (VCV002966454.3), dbSNP rs780973109, ClinGen allele CA3836633.

ClinVar aggregate classification (germline): Uncertain significance (1 of 4 stars; one submission).

Allele frequency attached by ClinVar (database versions not stated): ExAC 0.00003; gnomAD 0.00003; TOPMed 0.00003.
gnomAD v4.1: 32 of 1,614,014 alleles (0.002%); highest among the groups gnomAD compares: East Asian, 0.0045%; no homozygotes.

Submission:

Labcorp Genetics (formerly Invitae), Labcorp
Classification: Uncertain significance. Last evaluated: 2024-03-31. Review status: criteria provided, single submitter. Criteria: Invitae Variant Classification Sherloc (09022015). Collection method: clinical testing. Allele origin: germline.
Comment: This sequence change replaces threonine, which is neutral and polar, with methionine, which is neutral and non-polar, at codon 481 of the RUNX2 protein (p.Thr481Met). This variant is present in population databases (rs780973109, gnomAD 0.03%). This variant has not been reported in the literature in individuals affected with RUNX2-related conditions. Advanced modeling of protein sequence and biophysical properties (such as structural, functional, and spatial information, amino acid conservation, physicochemical variation, residue mobility, and thermodynamic stability) performed at Invitae indicates that this missense variant is not expected to disrupt RUNX2 protein function with a negative predictive value of 80%. In summary, the available evidence is currently insufficient to determine the role of this variant in disease. Therefore, it has been classified as a Variant of Uncertain Significance.